The following is an entry in ClinVar:

NM_000237.3(LPL):c.1216A>T (p.Lys406Ter)

Gene: LPL (lipoprotein lipase; plus strand). Cytogenetic location: 8p21.3.
Variant type: single nucleotide variant.
Coding change: c.1216A>T on transcript NM_000237.3 (MANE Select); coding-DNA position 1216, A replaced by T.
Protein change: p.Lys406Ter; replaces lysine 406 with a stop codon.
Molecular consequence: nonsense.
Genome position (GRCh38, 1-based): chr8:19,960,977, A>T. VCF-style: chr8-19960977-A-T. GRCh37 (hg19) VCF-style: chr8-19818488-A-T.
Other names: short protein forms K406*.
Identifiers: ClinVar variation 1030688 (VCV001030688.2), dbSNP rs2070033114, ClinGen allele CA370638675.

ClinVar aggregate classification (germline): Conflicting classifications of pathogenicity. Review status: criteria provided, conflicting classifications (1 of 4 stars). 2 submissions from 2 submitters: Pathogenic (1); Uncertain significance (1). Last evaluated 2024-04-04.

Conditions:
Hyperlipidemia, familial combined, LPL related (FCHL3). Also called: Hyperapobetalipoproteinemia. Identifiers: MedGen C0020474, MONDO:0007759, OMIM 144250, HP:0008158.
Hyperlipoproteinemia, type I. Also called: Hyperlipoproteinemia type 1; Hyperchylomicro-nemia familial; Familial chylomicronemia; Hyperlipemia idiopathic Burger-Grutz type; Familial hyperlipo-proteinemia type 1; Hyperlipemia essential familial. Identifiers: Orphanet 309015, Orphanet 444490, MedGen C0023817, MONDO:0009387, OMIM 238600. Disease mechanism: loss of function.

Submissions (2):

Genomic Medicine Center of Excellence, King Faisal Specialist Hospital and Research Centre
Classification: Uncertain significance for Hyperlipoproteinemia, type I. Last evaluated: 2024-04-04. Review status: criteria provided, single submitter. Criteria: ACMG Guidelines, 2015. Collection method: clinical testing. Allele origin: germline.

Baylor Genetics
Classification: Pathogenic for Hyperlipidemia, familial combined, LPL related. Last evaluated: 2020-06-08. Review status: criteria provided, single submitter. Criteria: ACMG Guidelines, 2015. Collection method: clinical testing. Allele origin: unknown. Affected: yes.
Comment: This variant was determined to be pathogenic according to ACMG Guidelines, 2015 [PMID:25741868].